The following is an entry in ClinVar:

NM_000321.3(RB1):c.6G>T (p.Pro2=)

Gene: RB1 (RB transcriptional corepressor 1; plus strand). Cytogenetic location: 13q14.2.
Variant type: single nucleotide variant.
Coding change: c.6G>T on transcript NM_000321.3 (MANE Select); coding-DNA position 6, G replaced by T.
Protein change: p.Pro2=; no amino-acid change (proline 2 retained).
Molecular consequence: synonymous variant.
Genome position (GRCh38, 1-based): chr13:48,303,918, G>T. VCF-style: chr13-48303918-G-T. GRCh37 (hg19) VCF-style: chr13-48878054-G-T.
Identifiers: ClinVar variation 762036 (VCV000762036.15), dbSNP rs1593411898, ClinGen allele CA483711562.
Genomic context (GRCh38, chr13:48,303,918, plus strand): 5'-TCGTCCTCCCCGGCGCTCCTCCACAGCTCGCTGGCTCCCGCCGCGGAAAGGCGTCATGCC[G>T]CCCAAAACCCCCCGAAAAACGGCCGCCACCGCCGCCGCTGCCGCCGCGGAACCCCCGGCA-3'
Protein context (NP_000312.2, residues 1-12): M[Pro2=]PKTPRKTAAT

ClinVar aggregate classification (germline): Benign/Likely benign. Review status: criteria provided, multiple submitters, no conflicts (2 of 4 stars). 5 submissions from 5 submitters: Benign (1); Likely benign (4). Last evaluated 2026-06-23.

Conditions:
Retinoblastoma (RB1). Also called: RETINOBLASTOMA, SOMATIC. Identifiers: Orphanet 790, MedGen C0035335, MeSH D012175, MONDO:0008380, OMIM 180200, HP:0009919. Disease mechanism: loss of function. Inheritance: Both sporadic and heritable forms are tested..
Hereditary cancer-predisposing syndrome. Also called: Tumor predisposition; Hereditary Cancer Syndrome; Hereditary neoplastic syndrome; Neoplastic Syndromes, Hereditary. Identifiers: Orphanet 140162, MedGen C0027672, MeSH D009386, MONDO:0015356.

Allele frequency attached by ClinVar (database versions not stated): TOPMed 0.00003; gnomAD 0.00001.
gnomAD v4.1: 2 of 1,512,792 alleles (0.00013%); highest among the groups gnomAD compares: Admixed American, 0.0041%; no homozygotes.

Submissions (5):

Myriad Genetics, Inc.
Classification: Benign for Retinoblastoma. Last evaluated: 2026-06-23. Review status: criteria provided, single submitter. Criteria: Myriad Autosomal Dominant, Autosomal Recessive and X-Linked Classification Criteria (2023). Collection method: clinical testing. Allele origin: unknown.
Comment: This variant is considered benign. This variant is a silent/synonymous amino acid change and it is not expected to impact splicing.

Labcorp Genetics (formerly Invitae), Labcorp
Classification: Likely benign for Retinoblastoma. Last evaluated: 2026-01-31. Review status: criteria provided, single submitter. Criteria: Invitae Variant Classification Sherloc (09022015). Collection method: clinical testing. Allele origin: germline.

All of Us Research Program, National Institutes of Health
Classification: Likely benign for Retinoblastoma. Last evaluated: 2024-08-13. Review status: criteria provided, single submitter. Criteria: ACMG Guidelines, 2015. Collection method: clinical testing. Allele origin: germline. Inheritance: Autosomal dominant inheritance. Observed: 2 variant alleles, 2 heterozygotes.
Comment: This study involves interpretation of variants in research participants for the purpose of population health screening. Participant phenotype was not available at the time of variant classification. Additional details can be found in publication PMID: 35346344, PMCID: PMC8962531

Color Diagnostics, LLC DBA Color Health
Classification: Likely benign for Retinoblastoma. Last evaluated: 2022-04-12. Review status: criteria provided, single submitter. Criteria: ACMG Guidelines, 2015. Collection method: clinical testing. Allele origin: germline.

Ambry Genetics
Classification: Likely benign for Hereditary cancer-predisposing syndrome. Last evaluated: 2021-10-05. Review status: criteria provided, single submitter. Criteria: Ambry Variant Classification Scheme 2023. Collection method: clinical testing. Allele origin: germline.